The following is an entry in ClinVar:

NM_001905.4(CTPS1):c.1622T>C (p.Phe541Ser)

Gene: CTPS1 (CTP synthase 1; plus strand). Cytogenetic location: 1p34.2.
Variant type: single nucleotide variant.
Coding change: c.1622T>C on transcript NM_001905.4 (MANE Select); coding-DNA position 1622, T replaced by C.
Protein change: p.Phe541Ser; replaces phenylalanine 541 with serine.
Molecular consequence: missense variant. On other transcripts: non-coding transcript variant (1).
Genome position (GRCh38, 1-based): chr1:41,009,520, T>C. VCF-style: chr1-41009520-T-C. GRCh37 (hg19) VCF-style: chr1-41475192-T-C.
Other names: c.1154T>C, p.Phe385Ser (NM_001301237.2); short protein forms F385S, F541S.
Identifiers: ClinVar variation 1495678 (VCV001495678.8), dbSNP rs2148421320, ClinGen allele CA339906635.

ClinVar aggregate classification (germline): Uncertain significance (1 of 4 stars; one submission).

Conditions:
Combined immunodeficiency due to CTPS1 deficiency. Also called: Severe combined immunodeficiency due to CTPS1 deficiency; Immunodeficiency 24. Identifiers: Orphanet 420573, MedGen C4014617, MONDO:0014391, OMIM 615897.

Submission:

Labcorp Genetics (formerly Invitae), Labcorp
Classification: Uncertain significance for Combined immunodeficiency due to CTPS1 deficiency. Last evaluated: 2023-12-11. Review status: criteria provided, single submitter. Criteria: Invitae Variant Classification Sherloc (09022015). Collection method: clinical testing. Allele origin: germline.
Comment: This sequence change replaces phenylalanine, which is neutral and non-polar, with serine, which is neutral and polar, at codon 541 of the CTPS1 protein (p.Phe541Ser). This variant is not present in population databases (gnomAD no frequency). This variant has not been reported in the literature in individuals affected with CTPS1-related conditions. ClinVar contains an entry for this variant (Variation ID: 1495678). An algorithm developed to predict the effect of missense changes on protein structure and function (PolyPhen-2) suggests that this variant is likely to be tolerated. In summary, the available evidence is currently insufficient to determine the role of this variant in disease. Therefore, it has been classified as a Variant of Uncertain Significance.